The following is an entry in ClinVar:

ClinVar aggregate classification (germline): Uncertain significance. Review status: criteria provided, multiple submitters, no conflicts (2 of 4 stars). 2 submissions from 2 submitters: Uncertain significance (2). Last evaluated 2025-10-29.

Conditions:
Distal myopathy with posterior leg and anterior hand involvement. Also called: WILLIAMS DISTAL MYOPATHY. Identifiers: Orphanet 63273, MedGen C3279722, MONDO:0013550, OMIM 614065.
Myofibrillar myopathy 5. Also called: FILAMINOPATHY, AUTOSOMAL DOMINANT; Filaminopathy (type). Identifiers: Orphanet 171445, MedGen C1836050, MONDO:0012289, OMIM 609524.
Hypertrophic cardiomyopathy 26. Also called: Cardiomyopathy, familial hypertrophic, 26. Identifiers: Orphanet 75249, MedGen C4310749, MONDO:0014883, OMIM 617047.
Cardiovascular phenotype. Identifiers: MedGen CN230736.

Allele frequency attached by ClinVar (database versions not stated): gnomAD exomes below 0.00001; TOPMed below 0.00001.
gnomAD v4.1: 3 of 1,614,206 alleles (0.00019%); highest among the groups gnomAD compares: Non-Finnish European, 0.00025%; no homozygotes.

Submissions (2):

Labcorp Genetics (formerly Invitae), Labcorp
Classification: Uncertain significance for Distal myopathy with posterior leg and anterior hand involvement; Myofibrillar myopathy 5; Hypertrophic cardiomyopathy 26. Last evaluated: 2025-10-29. Review status: criteria provided, single submitter. Criteria: Invitae Variant Classification Sherloc (09022015). Collection method: clinical testing. Allele origin: germline.
Comment: This sequence change replaces glycine, which is neutral and non-polar, with glutamic acid, which is acidic and polar, at codon 543 of the FLNC protein (p.Gly543Glu). This variant is present in population databases (no rsID available, gnomAD 0.0009%). This variant has not been reported in the literature in individuals affected with FLNC-related conditions. ClinVar contains an entry for this variant (Variation ID: 1386709). Invitae Evidence Modeling of protein sequence and biophysical properties (such as structural, functional, and spatial information, amino acid conservation, physicochemical variation, residue mobility, and thermodynamic stability) has been performed for this missense variant. However, the output from this modeling did not meet the statistical confidence thresholds required to predict the impact of this variant on FLNC protein function. In summary, the available evidence is currently insufficient to determine the role of this variant in disease. Therefore, it has been classified as a Variant of Uncertain Significance.

Ambry Genetics
Classification: Uncertain significance for Cardiovascular phenotype. Last evaluated: 2021-08-19. Review status: criteria provided, single submitter. Criteria: Ambry Variant Classification Scheme 2023. Collection method: clinical testing. Allele origin: germline.
Comment: The p.G543E variant (also known as c.1628G>A), located in coding exon 10 of the FLNC gene, results from a G to A substitution at nucleotide position 1628. The glycine at codon 543 is replaced by glutamic acid, an amino acid with similar properties. This amino acid position is conserved. In addition, this alteration is predicted to be deleterious by in silico analysis. Since supporting evidence is limited at this time, the clinical significance of this alteration remains unclear.

NM_001458.5(FLNC):c.1628G>A (p.Gly543Glu)

Gene: FLNC (filamin C; plus strand). Cytogenetic location: 7q32.1.
Variant type: single nucleotide variant.
Coding change: c.1628G>A on transcript NM_001458.5 (MANE Select); coding-DNA position 1628, G replaced by A.
Protein change: p.Gly543Glu; replaces glycine 543 with glutamic acid.
Molecular consequence: missense variant.
Genome position (GRCh38, 1-based): chr7:128,840,626, G>A. VCF-style: chr7-128840626-G-A. GRCh37 (hg19) VCF-style: chr7-128480680-G-A.
Other names: c.1628G>A, p.Gly543Glu (NM_001127487.2); short protein forms G543E.
Identifiers: ClinVar variation 1386709 (VCV001386709.8), dbSNP rs1221769888, ClinGen allele CA369226691.